The following is an entry in ClinVar:

ClinVar aggregate classification (germline): Conflicting classifications of pathogenicity. Review status: criteria provided, conflicting classifications (1 of 4 stars). 5 submissions from 5 submitters: Pathogenic (3); Uncertain significance (1). 1 of the submissions does not count toward it. Last evaluated 2025-11-10.

Conditions:
Mucopolysaccharidosis, MPS-IV-B (MPS4B). Also called: MORQUIO SYNDROME B; Mucopolysaccharidosis Type IVB; Mucopolysaccharidosis type IV B; Mucopolysaccharidosis Type IVB (Morquio B Disease); Mucopolysaccharidosis type 4B; Mucopolysaccharidosis type IVB (Morquio). Identifiers: Orphanet 309310, Orphanet 582, MedGen C0086652, MONDO:0009660, OMIM 253010.
GM1 gangliosidosis type 3. Also called: GM1-GANGLIOSIDOSIS, TYPE III; Beta-galactosidase deficiency; Adult GM1 gangliosidosis; Type 3 (adult) GM1 gangliosidosis; Gangliosidosis, Generalized GM1, Type 3; GANGLIOSIDOSIS, GENERALIZED GM1, ADULT TYPE. Identifiers: Orphanet 79257, MedGen C0268273, MONDO:0009262, OMIM 230650.
Infantile GM1 gangliosidosis. Also called: Gangliosidosis, Generalized GM1, Type 1; GM1-gangliosidosis, type I; Gangliosidosis, generalized GM1, infantile form; GLB1 deficiency; GM1 gangliosidosis type 1. Identifiers: Orphanet 354, Orphanet 79255, MedGen C0268271, MONDO:0009260, OMIM 230500.
GM1 gangliosidosis type 2. Also called: GM1-GANGLIOSIDOSIS, TYPE II; Juvenile GM>1< gangliosidosis; Gangliosidosis, Generalized GM1, Type 2; GANGLIOSIDOSIS, GENERALIZED GM1, JUVENILE TYPE; GANGLIOSIDOSIS, GENERALIZED GM1, TYPE II. Identifiers: Orphanet 354, Orphanet 79256, MedGen C0268272, MONDO:0009261, OMIM 230600.
GM1 gangliosidosis. Identifiers: Orphanet 354, MedGen C0085131, MONDO:0018149.

Submissions (5):

Labcorp Genetics (formerly Invitae), Labcorp
Classification: Pathogenic for Mucopolysaccharidosis, MPS-IV-B; GM1 gangliosidosis. Last evaluated: 2025-11-10. Review status: criteria provided, single submitter. Criteria: Invitae Variant Classification Sherloc (09022015). Collection method: clinical testing. Allele origin: germline.
Comment: This variant, c.495_497del, results in the deletion of 1 amino acid(s) of the GLB1 protein (p.Leu166del), but otherwise preserves the integrity of the reading frame. This variant is present in population databases (rs754077128, gnomAD 0.06%). This variant has been observed in individual(s) with GM1-gangliosidosis (PMID: 20920281, 30267299). ClinVar contains an entry for this variant (Variation ID: 684406). Algorithms developed to predict the effect of variants on gene product structure and function are not available or were not evaluated for this variant. Experimental studies have shown that this variant affects GLB1 function (PMID: 20920281). For these reasons, this variant has been classified as Pathogenic.

First Genomix Gene Laboratory, Genetic Diagnostics Department
Classification: Pathogenic for Infantile GM1 gangliosidosis; GM1 gangliosidosis type 2; GM1 gangliosidosis type 3; Mucopolysaccharidosis, MPS-IV-B. Last evaluated: 2025-01-08. Review status: criteria provided, single submitter. Criteria: ACMG Guidelines, 2015. Collection method: clinical testing. Allele origin: germline. Inheritance: Autosomal recessive inheritance. Affected: no. Observed: 1 variant allele.

Natera, Inc.
Classification: Pathogenic for Mucopolysaccharidosis, MPS-IV-B. Last evaluated: 2024-09-30. Review status: criteria provided, single submitter. Criteria: Natera Variant Classification Schema (03/2026). Collection method: clinical testing. Allele origin: germline.
Comment: The c.495_497delTCT variant in GLB1 is an in-frame deletion predicted to remove leucine at amino acid 166 while preserving the reading frame. This variant is rare in the general population with a frequency below the threshold expected for the associated phenotype(s). This variant has been observed in one or more individuals affected with the associated recessive disease, as either homozygous or compound heterozygous with a second variant (PMID: 33737400, 30267299). Functional studies show that this variant may disrupt protein function (PMID: 30267299, 20920281). This variant results in a change to the protein length while preserving reading frame, which may disrupt normal protein structure or function. Computational prediction algorithms indicate this variant is likely to affect gene or protein function. Given the available evidence, this variant is classified as Pathogenic.

Foundation for Research in Genetics and Endocrinology, FRIGE's Institute of Human Genetics
Classification: Uncertain significance for GM1 gangliosidosis type 2. Last evaluated: 2019-05-07. Review status: criteria provided, single submitter. Criteria: ACMG Guidelines, 2015. Collection method: clinical testing. Allele origin: germline. Inheritance: Autosomal recessive inheritance. Affected: yes. Observed: 1 heterozygote.
Comment: Heterozygous variant c.495_497del (p.Leu166del) in exon-5 has been observed in GLB1 gene. MRI was suggestive of cerebral atrophy. The variant is not reported in the 1000 genomes and ExAC databases. In silico prediction of the variant is probably damaging by PolyPhen-2 (HumDiv) and damaging by SIFT, LRT and MutationTaster2. In summary, the said variant meets our criteria to be classified as uncertain significance based on the mode of inheritance, in silico prediction, allele frequency in population databases and lack of segregation study.

GeneReviews
No classification provided. Condition: Infantile GM1 gangliosidosis. Review status: no classification provided. Collection method: literature only. Allele origin: germline. Not counted in ClinVar's aggregate classification.
Comment: High prevalence in Chinese population; associated with GM1 infantile and late-infantile form

Literature cited by the submitters: PubMed 20920281 (cited by Labcorp Genetics (formerly Invitae), Labcorp and Natera, Inc.); PubMed 30267299 (cited by 3 submitters); PubMed 33737400 (cited by Natera, Inc.).

NM_000404.4(GLB1):c.495_497del (p.Leu166del)

Gene: GLB1 (galactosidase beta 1; minus strand). Cytogenetic location: 3p22.3.
Variant type: Deletion.
Coding change: c.495_497del on transcript NM_000404.4 (MANE Select); coding-DNA positions 495 to 497, 3 bases deleted (TCT; older notation c.495_497delTCT).
Protein change: p.Leu166del; deletes leucine 166.
Molecular consequence: inframe deletion.
Genome position (GRCh38, 1-based): chr3:33,065,518-33,065,520, AGA deleted on the plus strand (TCT on the coding strand, the reverse complement: GLB1 is on the minus strand); deleting any 3 consecutive bases within chr3:33,065,518-33,065,522 gives the same sequence; the c. name uses the placement nearest the transcript's 3' end. VCF-style (leftmost placement, unchanged base first): chr3-33065517-CAGA-C. GRCh37 (hg19) VCF-style: chr3-33107009-CAGA-C.
Other names: c.495_497delTCT (NM_000404.4, NM_000404.3); c.405_407del, p.Leu136del (NM_001079811.3); c.283_285del, p.Ser95del (NM_001135602.3); c.639_641del, p.Leu214del (NM_001317040.2); c.495_497del, p.Leu166del (NM_001393580.1); short protein forms L136del, L166del, L214del, S95del.
Identifiers: ClinVar variation 684406 (VCV000684406.14), dbSNP rs754077128, ClinGen allele CA2299677.